The following is an entry in ClinVar:

ClinVar aggregate classification (germline): Pathogenic (1 of 4 stars; one submission).

Conditions:
Primary ciliary dyskinesia. Also called: Ciliary dyskinesia. Identifiers: Orphanet 244, MedGen C0008780, MONDO:0016575, HP:0012265.

Submission:

Labcorp Genetics (formerly Invitae), Labcorp
Classification: Pathogenic for Primary ciliary dyskinesia. Last evaluated: 2021-11-05. Review status: criteria provided, single submitter. Criteria: Invitae Variant Classification Sherloc (09022015). Collection method: clinical testing. Allele origin: germline.
Comment: This variant is a gross deletion of the genomic region encompassing exon(s) 71-74 of the DNAH5 gene. This variant would be expected to be in-frame, preserving the integrity of the reading frame. This variant has not been reported in the literature in individuals affected with DNAH5-related conditions. This variant disrupts a region of the DNAH5 protein in which other variant(s) (p.Gly4205Val) have been determined to be pathogenic (PMID: 16627867; Invitae). This suggests that this is a clinically significant region of the protein, and that variants that disrupt it are likely to be disease-causing. For these reasons, this variant has been classified as Pathogenic.

Literature cited by the submitters: PubMed 16627867.

NC_000005.9:g.(?_13716586)_(13721364_?)del

Gene: DNAH5 (dynein axonemal heavy chain 5; minus strand). Cytogenetic location: 5p15.2.
Variant type: Deletion.
Identifiers: ClinVar variation 1455454 (VCV001455454.11).